The following is an entry in ClinVar:

NM_001291088.2(WDR87):c.7270G>T (p.Val2424Phe)

Gene: WDR87 (WD repeat domain 87; minus strand). Cytogenetic location: 19q13.13.
Variant type: single nucleotide variant.
Coding change: c.7270G>T on transcript NM_001291088.2 (MANE Select); coding-DNA position 7270, G replaced by T.
Protein change: p.Val2424Phe; replaces valine 2424 with phenylalanine.
Molecular consequence: missense variant.
Genome position (GRCh38, 1-based): chr19:37,886,401, C>A on the plus strand (G>T on the coding strand, the complement: WDR87 is on the minus strand). VCF-style: chr19-37886401-C-A. GRCh37 (hg19) VCF-style: chr19-38377041-C-A.
Other names: c.7153G>T, p.Val2385Phe (NM_031951.5); short protein forms V2385F, V2424F.
Identifiers: ClinVar variation 3469724 (VCV003469724.2).
Genomic context (GRCh38, chr19:37,886,401, plus strand): 5'-GTGTTTTCTCTTTCATCTCCAGAGCTGTTGACATCAGTTTCTTCAAAGGGCTTTTTAGAA[C>A]TCCTAGTCTTATAGCCCTGCCTTTGCCATGAGGAACTCCTCTTAAAATGGAAAGGACTCT-3'
Protein context (NP_001278017.1, residues 2414-2434): HGKGRAIRLG[Val2424Phe]LKSPLKKLMS

ClinVar aggregate classification (germline): Uncertain significance. Review status: criteria provided, multiple submitters, no conflicts (2 of 4 stars). 2 submissions from 2 submitters: Uncertain significance (2). Last evaluated 2025-05-22.

gnomAD v4.1: 105 of 1,543,324 alleles (0.0068%); highest among the groups gnomAD compares: African/African-American, 0.13%; no homozygotes.

Submissions (2):

Labcorp Genetics (formerly Invitae), Labcorp
Classification: Uncertain significance. Last evaluated: 2025-05-22. Review status: criteria provided, single submitter. Criteria: Invitae Variant Classification Sherloc (09022015). Collection method: clinical testing. Allele origin: germline.
Comment: This sequence change replaces valine, which is neutral and non-polar, with phenylalanine, which is neutral and non-polar, at codon 2385 of the WDR87 protein (p.Val2385Phe). This variant is present in population databases (rs374212596, gnomAD 0.1%), and has an allele count higher than expected for a pathogenic variant. This variant has not been reported in the literature in individuals affected with WDR87-related conditions. ClinVar contains an entry for this variant (Variation ID: 3469724). Experimental studies and prediction algorithms are not available or were not evaluated, and the functional significance of this variant is currently unknown. In summary, the available evidence is currently insufficient to determine the role of this variant in disease. Therefore, it has been classified as a Variant of Uncertain Significance.

Ambry Genetics
Classification: Uncertain significance. Last evaluated: 2024-09-26. Review status: criteria provided, single submitter. Criteria: Ambry Variant Classification Scheme 2023. Collection method: clinical testing. Allele origin: germline.